The following is an entry in ClinVar:

NM_001378454.1(ALMS1):c.1591G>A (p.Gly531Ser)

Gene: ALMS1 (ALMS1 centrosome and basal body associated protein; plus strand). Cytogenetic location: 2p13.1.
Variant type: single nucleotide variant.
Coding change: c.1591G>A on transcript NM_001378454.1 (MANE Select); coding-DNA position 1591, G replaced by A.
Protein change: p.Gly531Ser; replaces glycine 531 with serine.
Molecular consequence: missense variant.
Genome position (GRCh38, 1-based): chr2:73,448,118, G>A. VCF-style: chr2-73448118-G-A. GRCh37 (hg19) VCF-style: chr2-73675245-G-A.
Other names: c.1594G>A, p.Gly532Ser (NM_015120.4); short protein forms G532S, G531S.
Identifiers: ClinVar variation 1919952 (VCV001919952.2), dbSNP rs2466091644, ClinGen allele CA347264851.

ClinVar aggregate classification (germline): Uncertain significance (1 of 4 stars; one submission).

Conditions:
Alstrom syndrome (ALMS). Identifiers: Orphanet 64, MedGen C0268425, MONDO:0008763, OMIM 203800.

Allele frequency attached by ClinVar (database versions not stated): gnomAD exomes below 0.00001.
gnomAD v4.1: 1 of 1,613,764 alleles (0.000062%); highest among the groups gnomAD compares: Non-Finnish European, 0.000085%; no homozygotes.

Submission:

Labcorp Genetics (formerly Invitae), Labcorp
Classification: Uncertain significance for Alstrom syndrome. Last evaluated: 2022-04-15. Review status: criteria provided, single submitter. Criteria: Invitae Variant Classification Sherloc (09022015). Collection method: clinical testing. Allele origin: germline.
Comment: This sequence change replaces glycine, which is neutral and non-polar, with serine, which is neutral and polar, at codon 532 of the ALMS1 protein (p.Gly532Ser). This variant is not present in population databases (gnomAD no frequency). This variant has not been reported in the literature in individuals affected with ALMS1-related conditions. Experimental studies and prediction algorithms are not available or were not evaluated, and the functional significance of this variant is currently unknown. In summary, the available evidence is currently insufficient to determine the role of this variant in disease. Therefore, it has been classified as a Variant of Uncertain Significance.